The following is an entry in ClinVar:

NM_000282.4(PCCA):c.1031A>T (p.Asn344Ile)

Gene: PCCA (propionyl-CoA carboxylase subunit alpha; plus strand). Cytogenetic location: 13q32.3.
Variant type: single nucleotide variant.
Coding change: c.1031A>T on transcript NM_000282.4 (MANE Select); coding-DNA position 1031, A replaced by T.
Protein change: p.Asn344Ile; replaces asparagine 344 with isoleucine.
Molecular consequence: missense variant. On other transcripts: non-coding transcript variant (5).
Genome position (GRCh38, 1-based): chr13:100,273,312, A>T. VCF-style: chr13-100273312-A-T. GRCh37 (hg19) VCF-style: chr13-100925566-A-T.
Other names: c.953A>T, p.Asn318Ile (NM_001127692.3, NM_001352607.2, NM_001352608.2); c.1031A>T, p.Asn344Ile (NM_001178004.2, NM_001352605.2, NM_001352606.2 and 1 more transcripts); c.86A>T, p.Asn29Ile (NM_001352610.2, NM_001352611.2, NM_001352612.2); short protein forms N29I, N318I, N344I.
Identifiers: ClinVar variation 1708890 (VCV001708890.6), dbSNP rs2063430702, ClinGen allele CA388694916.

ClinVar aggregate classification (germline): Uncertain significance. Review status: criteria provided, multiple submitters, no conflicts (2 of 4 stars). 2 submissions from 2 submitters: Uncertain significance (2). Last evaluated 2025-12-15.

Conditions:
Propionic acidemia (PROP). Also called: GLYCINEMIA, KETOTIC; HYPERGLYCINEMIA WITH KETOACIDOSIS AND LEUKOPENIA; KETOTIC HYPERGLYCINEMIA. Identifiers: Orphanet 35, MedGen C0268579, MONDO:0011628, OMIM 606054, HP:0003571.

gnomAD v4.1: 3 of 1,613,242 alleles (0.00019%); highest among the groups gnomAD compares: Non-Finnish European, 0.00025%; no homozygotes.

Submissions (2):

Labcorp Genetics (formerly Invitae), Labcorp
Classification: Uncertain significance for Propionic acidemia. Last evaluated: 2025-12-15. Review status: criteria provided, single submitter. Criteria: Invitae Variant Classification Sherloc (09022015). Collection method: clinical testing. Allele origin: germline.
Comment: This sequence change replaces asparagine, which is neutral and polar, with isoleucine, which is neutral and non-polar, at codon 344 of the PCCA protein (p.Asn344Ile). This variant is not present in population databases (gnomAD no frequency). This variant has not been reported in the literature in individuals affected with PCCA-related conditions. ClinVar contains an entry for this variant (Variation ID: 1708890). Invitae Evidence Modeling of protein sequence and biophysical properties (such as structural, functional, and spatial information, amino acid conservation, physicochemical variation, residue mobility, and thermodynamic stability) has been performed for this missense variant. However, the output from this modeling did not meet the statistical confidence thresholds required to predict the impact of this variant on PCCA protein function. In summary, the available evidence is currently insufficient to determine the role of this variant in disease. Therefore, it has been classified as a Variant of Uncertain Significance.

GeneDx
Classification: Uncertain significance. Last evaluated: 2022-04-04. Review status: criteria provided, single submitter. Criteria: GeneDx Variant Classification Process June 2021. Collection method: clinical testing. Allele origin: germline. Affected: yes.
Comment: Not observed at significant frequency in large population cohorts (gnomAD); In silico analysis supports that this missense variant has a deleterious effect on protein structure/function; Has not been previously published as pathogenic or benign to our knowledge